The following is an entry in ClinVar:

ClinVar aggregate classification (germline): Uncertain significance (1 of 4 stars; one submission).

gnomAD v4.1: 8 of 1,444,624 alleles (0.00055%); highest among the groups gnomAD compares: South Asian, 0.0014%; no homozygotes.

Submission:

Labcorp Genetics (formerly Invitae), Labcorp
Classification: Uncertain significance. Last evaluated: 2025-10-13. Review status: criteria provided, single submitter. Criteria: Invitae Variant Classification Sherloc (09022015). Collection method: clinical testing. Allele origin: germline.
Comment: This sequence change replaces arginine, which is basic and polar, with tryptophan, which is neutral and slightly polar, at codon 41 of the TRPC3 protein (p.Arg41Trp). This variant is not present in population databases (gnomAD no frequency). This variant has not been reported in the literature in individuals affected with TRPC3-related conditions. An algorithm developed to predict the effect of missense changes on protein structure and function (PolyPhen-2) suggests that this variant is likely to be tolerated. In summary, the available evidence is currently insufficient to determine the role of this variant in disease. Therefore, it has been classified as a Variant of Uncertain Significance.

NM_001130698.2(TRPC3):c.121A>T (p.Arg41Trp)

Gene: TRPC3 (transient receptor potential cation channel subfamily C member 3; minus strand). Cytogenetic location: 4q27.
Variant type: single nucleotide variant.
Coding change: c.121A>T on transcript NM_001130698.2 (MANE Select); coding-DNA position 121, A replaced by T.
Protein change: p.Arg41Trp; replaces arginine 41 with tryptophan.
Molecular consequence: missense variant.
Genome position (GRCh38, 1-based): chr4:121,951,560, T>A on the plus strand (A>T on the coding strand, the complement: TRPC3 is on the minus strand). VCF-style: chr4-121951560-T-A. GRCh37 (hg19) VCF-style: chr4-122872715-T-A.
Other names: c.121A>T, p.Arg41Trp (NM_001366479.2); short protein forms R41W.
Identifiers: ClinVar variation 4694315 (VCV004694315.1).